The following is an entry in ClinVar:

ClinVar aggregate classification (germline): Uncertain significance (1 of 4 stars; one submission).

Conditions:
Hereditary cancer-predisposing syndrome. Also called: Neoplastic Syndromes, Hereditary; Tumor predisposition; Hereditary Cancer Syndrome; Hereditary neoplastic syndrome. Identifiers: Orphanet 140162, MedGen C0027672, MeSH D009386, MONDO:0015356.

gnomAD v4.1: 1 of 1,610,400 alleles (0.000062%); highest among the groups gnomAD compares: South Asian, 0.0011%; no homozygotes.

Submission:

Ambry Genetics
Classification: Uncertain significance for Hereditary cancer-predisposing syndrome. Last evaluated: 2026-05-28. Review status: criteria provided, single submitter. Criteria: Ambry Variant Classification Scheme 2023. Collection method: clinical testing. Allele origin: germline.
Comment: The p.S671P variant (also known as c.2011T>C), located in coding exon 10 of the BRCA2 gene, results from a T to C substitution at nucleotide position 2011. The serine at codon 671 is replaced by proline, an amino acid with similar properties. This amino acid position is not well conserved in available vertebrate species. In addition, this alteration is predicted to be tolerated by in silico analysis. Based on the available evidence, the clinical significance of this variant remains unclear.

NM_000059.4(BRCA2):c.2011T>C (p.Ser671Pro)

Gene: BRCA2 (BRCA2 DNA repair associated; plus strand). Cytogenetic location: 13q13.1.
Variant type: single nucleotide variant.
Coding change: c.2011T>C on transcript NM_000059.4 (MANE Select); coding-DNA position 2011, T replaced by C.
Protein change: p.Ser671Pro; replaces serine 671 with proline.
Molecular consequence: missense variant. On other transcripts: non-coding transcript variant (1), intron variant (2).
Genome position (GRCh38, 1-based): chr13:32,336,366, T>C. VCF-style: chr13-32336366-T-C. GRCh37 (hg19) VCF-style: chr13-32910503-T-C.
Other names: c.2011T>C, p.Ser671Pro (NM_001406719.1, NM_001406720.1, NM_001432077.1); c.1909+2979T>C (NM_001406721.1); c.424+5336T>C (NM_001406722.1); short protein forms S671P.
Identifiers: ClinVar variation 4867873 (VCV004867873.1).